The following is an entry in ClinVar:

NM_201384.3(PLEC):c.3261-13G>A

Gene: PLEC (plectin; minus strand). Cytogenetic location: 8q24.3.
Variant type: single nucleotide variant.
Coding change: c.3261-13G>A on transcript NM_201384.3 (MANE Select); 13 bases into the intron before coding-DNA position 3261, G replaced by A.
Molecular consequence: intron variant.
Genome position (GRCh38, 1-based): chr8:143,928,005, C>T on the plus strand (G>A on the coding strand, the complement: PLEC is on the minus strand). VCF-style: chr8-143928005-C-T. GRCh37 (hg19) VCF-style: chr8-145002173-C-T.
Other names: c.3342-13G>A (NM_000445.5); c.3219-13G>A (NM_201378.4); c.3195-13G>A (NM_201379.3); c.3672-13G>A (NM_201380.4); c.3165-13G>A (NM_201381.3); c.3261-13G>A (NM_201382.4); c.3273-13G>A (NM_201383.3).
Identifiers: ClinVar variation 93041 (VCV000093041.17), dbSNP rs11991798, ClinGen allele CA146316.

ClinVar aggregate classification (germline): Benign. Review status: criteria provided, multiple submitters, no conflicts (2 of 4 stars). 5 submissions from 5 submitters: Benign (5). Last evaluated 2026-02-02.

Conditions:
Epidermolysis bullosa simplex, Ogna type (EBS5A). Also called: Pidermolysis bullosa simplex 5A, Ogna type; EPIDERMOLYSIS BULLOSA SIMPLEX 5A, OGNA TYPE. Identifiers: Orphanet 79401, MedGen C0432317, MONDO:0007555, OMIM 131950.
Autosomal recessive limb-girdle muscular dystrophy type 2Q (LGMDR17). Also called: MUSCULAR DYSTROPHY, LIMB-GIRDLE, AUTOSOMAL RECESSIVE 17. Identifiers: Orphanet 254361, MedGen C3150989, MONDO:0013390, OMIM 613723.
Epidermolysis bullosa simplex 5C, with pyloric atresia (EBS5C). Also called: PLEC-Related Epidermolysis Bullosa with Pyloric Atresia; Epidermolysis bullosa simplex with pyloric atresia; PLEC1-Related Epidermolysis Bullosa with Pyloric Atresia. Identifiers: Orphanet 158684, MedGen C2677349, MONDO:0012807, OMIM 612138.
Epidermolysis bullosa simplex with nail dystrophy (EBS5D). Identifiers: MedGen C4225309, MONDO:0014661, OMIM 616487.
Epidermolysis bullosa simplex 5B, with muscular dystrophy (EBS5B). Also called: EPIDERMOLYSIS BULLOSA SIMPLEX AND LIMB-GIRDLE MUSCULAR DYSTROPHY; Epidermolysis bullosa simplex with muscular dystrophy. Identifiers: Orphanet 257, MedGen C2931072, MONDO:0009181, OMIM 226670.

Allele frequency attached by ClinVar (database versions not stated): gnomAD exomes 0.02162; ExAC 0.02676; ESP Exome Variant Server 0.07782; 1000 Genomes Project 0.07788; gnomAD 0.08027 and 0.08644; 1000 Genomes Project 30x 0.08198; TOPMed 0.09093.
gnomAD v4.1: 28,033 of 1,587,154 alleles (1.8%); highest among the groups gnomAD compares: African/African-American, 28%; 3,021 homozygotes.

Submissions (5):

Labcorp Genetics (formerly Invitae), Labcorp
Classification: Benign for Autosomal recessive limb-girdle muscular dystrophy type 2Q; Epidermolysis bullosa simplex, Ogna type; Epidermolysis bullosa simplex with nail dystrophy; Epidermolysis bullosa simplex 5C, with pyloric atresia; Epidermolysis bullosa simplex 5B, with muscular dystrophy. Last evaluated: 2026-02-02. Review status: criteria provided, single submitter. Criteria: Invitae Variant Classification Sherloc (09022015). Collection method: clinical testing. Allele origin: germline.

GeneDx
Classification: Benign. Last evaluated: 2016-05-24. Review status: criteria provided, single submitter. Criteria: GeneDx Variant Classification (06012015). Collection method: clinical testing. Allele origin: germline. Affected: yes.
Comment: This variant is considered likely benign or benign based on one or more of the following criteria: it is a conservative change, it occurs at a poorly conserved position in the protein, it is predicted to be benign by multiple in silico algorithms, and/or has population frequency not consistent with disease.

Laboratory for Molecular Medicine, Mass General Brigham Personalized Medicine
Classification: Benign. Last evaluated: 2015-01-13. Review status: criteria provided, single submitter. Criteria: LMM Criteria. Collection method: clinical testing. Allele origin: germline. Observed: 2 variant alleles.
Comment: c.3672-13G>A in intron 25 of PLEC: This variant is not expected to have clinical significance because it has been identified in 23.3% (896/3848) of African Amer ican chromosomes from a broad population by the NHLBI Exome Sequencing Project (dbSNP rs11991798).

Eurofins Ntd Llc (ga)
Classification: Benign. Last evaluated: 2013-10-04. Review status: criteria provided, single submitter. Criteria: EGL Classification Definitions 2015. Collection method: clinical testing. Allele origin: germline. Observed: 1 variant allele, 1 heterozygote.

Breakthrough Genomics
Classification: Benign. Review status: criteria provided, single submitter. Criteria: ACMG Guidelines, 2015. Collection method: not provided. Allele origin: germline. Inheritance: Autosomal recessive inheritance. Affected: yes.